The following is an entry in ClinVar:

ClinVar aggregate classification (germline): Likely benign (1 of 4 stars; one submission).

Allele frequency attached by ClinVar (database versions not stated): gnomAD 0.01068 and 0.01258; TOPMed 0.01125; 1000 Genomes Project 30x 0.01468; 1000 Genomes Project 0.01478; gnomAD exomes 0.02304.
gnomAD v4.1: 2,878 of 193,902 alleles (1.5%); highest among the groups gnomAD compares: Middle Eastern, 9.6%; 60 homozygotes.

Submission:

GeneDx
Classification: Likely benign. Last evaluated: 2018-06-14. Review status: criteria provided, single submitter. Criteria: GeneDx Variant Classification (06012015). Collection method: clinical testing. Allele origin: germline. Affected: yes.
Comment: This variant is considered likely benign or benign based on one or more of the following criteria: it is a conservative change, it occurs at a poorly conserved position in the protein, it is predicted to be benign by multiple in silico algorithms, and/or has population frequency not consistent with disease.

NM_001371596.2(MFSD8):c.863+338A>G

Gene: MFSD8 (major facilitator superfamily domain containing 8; minus strand). Cytogenetic location: 4q28.2.
Variant type: single nucleotide variant.
Coding change: c.863+338A>G on transcript NM_001371596.2 (MANE Select); 338 bases into the intron after coding-DNA position 863, A replaced by G.
Molecular consequence: intron variant.
Genome position (GRCh38, 1-based): chr4:127,932,647, T>C on the plus strand (A>G on the coding strand, the complement: MFSD8 is on the minus strand). VCF-style: chr4-127932647-T-C. GRCh37 (hg19) VCF-style: chr4-128853802-T-C.
Other names: c.581+338A>G (NM_001371595.1); c.413+338A>G (NM_001410765.1); c.728+338A>G (NM_001371590.2); c.863+338A>G (NM_152778.4, NM_001371591.2); c.548+338A>G (NM_001363521.3); c.749+338A>G (NM_001410766.1, NM_001371593.2); c.662+338A>G (NM_001363520.3); c.716+338A>G (NM_001371594.2); and 1 more.
Identifiers: ClinVar variation 669483 (VCV000669483.3), dbSNP rs190162771, ClinGen allele CA15311830.